The following is an entry in ClinVar:

NM_001042492.3(NF1):c.6579_6598del (p.Glu2193fs)

Gene: NF1 (neurofibromin 1; plus strand). Cytogenetic location: 17q11.2.
Variant type: Deletion.
Coding change: c.6579_6598del on transcript NM_001042492.3 (MANE Select); coding-DNA positions 6579 to 6598, 20 bases deleted (GAGAGAGACTTTTGCTTTGA).
Protein change: p.Glu2193fs; shifts the reading frame from glutamic acid 2193.
Molecular consequence: frameshift variant.
Genome position (GRCh38, 1-based): chr17:31,337,519-31,337,538, GAGAGAGACTTTTGCTTTGA deleted; deleting any 20 consecutive bases within chr17:31,337,516-31,337,538 gives the same sequence; the c. name uses the placement nearest the transcript's 3' end. VCF-style (leftmost placement, unchanged base first): chr17-31337515-ATGAGAGAGAGACTTTTGCTT-A. GRCh37 (hg19) VCF-style: chr17-29664533-ATGAGAGAGAGACTTTTGCTT-A.
Other names: c.6516_6535del20, p.Glu2172Aspfs (NM_000267.4); short protein forms E2193fs, E2172fs.
Identifiers: ClinVar variation 2813039 (VCV002813039.3), dbSNP rs2508754127, ClinGen allele CA2739267423.
Genomic context (GRCh38, chr17:31,337,515, plus strand): 5'-CAGCTGCTGTCATTGCCTTCCGTTCCAGTTACCGGGACAGGTCATTCTCTCCTGGCTCCT[ATGAGAGAGAGACTTTTGCTT>A]TGACATCCTTGGAAACAGTCACAGAAGCTTTGTTGGAGATCATGGAGGTATAGAAGCCAA-3'

ClinVar aggregate classification (germline): Pathogenic (1 of 4 stars; one submission).

Conditions:
Neurofibromatosis, type 1 (NF1). Also called: NEUROFIBROMATOSIS, TYPE I, SOMATIC; Peripheral type neurofibromatosis; VON RECKLINGHAUSEN DISEASE; Neurofibromatosis, type I. Identifiers: Orphanet 636, MedGen C0027831, MONDO:0018975, OMIM 162200. Disease mechanism: loss of function.

Submission:

Labcorp Genetics (formerly Invitae), Labcorp
Classification: Pathogenic for Neurofibromatosis, type 1. Last evaluated: 2022-11-09. Review status: criteria provided, single submitter. Criteria: Invitae Variant Classification Sherloc (09022015). Collection method: clinical testing. Allele origin: germline.
Comment: For these reasons, this variant has been classified as Pathogenic. This variant has not been reported in the literature in individuals affected with NF1-related conditions. This variant is not present in population databases (gnomAD no frequency). This sequence change creates a premature translational stop signal (p.Glu2172Aspfs*42) in the NF1 gene. It is expected to result in an absent or disrupted protein product. Loss-of-function variants in NF1 are known to be pathogenic (PMID: 10712197, 23913538).

Literature cited by the submitters: PubMed 10712197; PubMed 23913538.